The following is an entry in ClinVar:

ClinVar aggregate classification (germline): Uncertain significance (1 of 4 stars; one submission).

Conditions:
Cystic fibrosis (CF). Also called: MUCOVISCIDOSIS. Identifiers: Orphanet 586, MedGen C0010674, MONDO:0009061, OMIM 219700. Disease mechanism: loss of function.

gnomAD v4.1: 1 of 1,603,020 alleles (0.000062%); highest among the groups gnomAD compares: Non-Finnish European, 0.000085%; no homozygotes.

Submission:

Labcorp Genetics (formerly Invitae), Labcorp
Classification: Uncertain significance for Cystic fibrosis. Last evaluated: 2022-02-24. Review status: criteria provided, single submitter. Criteria: Invitae Variant Classification Sherloc (09022015). Collection method: clinical testing. Allele origin: germline.
Comment: In summary, the available evidence is currently insufficient to determine the role of this variant in disease. Therefore, it has been classified as a Variant of Uncertain Significance. Algorithms developed to predict the effect of sequence changes on RNA splicing suggest that this variant may disrupt the consensus splice site. Algorithms developed to predict the effect of missense changes on protein structure and function are either unavailable or do not agree on the potential impact of this missense change (SIFT: "Deleterious"; PolyPhen-2: "Probably Damaging"; Align-GVGD: "Class C0"). This variant has not been reported in the literature in individuals affected with CFTR-related conditions. This variant is present in population databases (rs769476932, gnomAD 0.0009%). This sequence change replaces aspartic acid, which is acidic and polar, with tyrosine, which is neutral and polar, at codon 565 of the CFTR protein (p.Asp565Tyr).

NM_000492.4(CFTR):c.1693G>T (p.Asp565Tyr)

Gene: CFTR (CF transmembrane conductance regulator; plus strand). Cytogenetic location: 7q31.2.
Variant type: single nucleotide variant.
Coding change: c.1693G>T on transcript NM_000492.4 (MANE Select); coding-DNA position 1693, G replaced by T.
Protein change: p.Asp565Tyr; replaces aspartic acid 565 with tyrosine.
Molecular consequence: missense variant.
Genome position (GRCh38, 1-based): chr7:117,590,366, G>T. VCF-style: chr7-117590366-G-T. GRCh37 (hg19) VCF-style: chr7-117230420-G-T.
Other names: short protein forms D565Y.
Identifiers: ClinVar variation 1986867 (VCV001986867.4), dbSNP rs769476932, ClinGen allele CA4451066.